The following is an entry in ClinVar:

NM_138927.4(SON):c.5213T>G (p.Leu1738Arg)

Gene: SON (SON DNA and RNA binding protein; plus strand). Cytogenetic location: 21q22.11.
Variant type: single nucleotide variant.
Coding change: c.5213T>G on transcript NM_138927.4 (MANE Select); coding-DNA position 5213, T replaced by G.
Protein change: p.Leu1738Arg; replaces leucine 1738 with arginine.
Molecular consequence: missense variant. On other transcripts: non-coding transcript variant (1), intron variant (1).
Genome position (GRCh38, 1-based): chr21:33,554,444, T>G. VCF-style: chr21-33554444-T-G. GRCh37 (hg19) VCF-style: chr21-34926750-T-G.
Other names: c.5213T>G, p.Leu1738Arg (NM_001291411.2, NM_032195.3, NM_058183.2 and 1 more transcripts); c.245-2712T>G (NM_001291412.3); short protein forms L1738R.
Identifiers: ClinVar variation 1704756 (VCV001704756.7), dbSNP rs2517388659, ClinGen allele CA410164302.
Genomic context (GRCh38, chr21:33,554,444, plus strand): 5'-ATTCAGGATTTTCTGCCAATATTGAGGATATTAATGAAGCAGATTTAGTGAGACCGTTAC[T>G]TCCTAAGGACATGGAACGTCTTACAAGCCTTAGAGCTGGCATTGAAGGACCTTTACTTGC-3'
Protein context (NP_620305.3, residues 1728-1748): INEADLVRPL[Leu1738Arg]PKDMERLTSL

ClinVar aggregate classification (germline): Uncertain significance. Review status: criteria provided, multiple submitters, no conflicts (2 of 4 stars). 3 submissions from 3 submitters: Uncertain significance (3). Last evaluated 2026-09-25.

Conditions:
SON-related disorder. Also called: SON-related condition.

Submissions (3):

GeneDx
Classification: Uncertain significance. Last evaluated: 2026-09-25. Review status: criteria provided, single submitter. Criteria: GeneDx Variant Classification Process June 2021. Collection method: clinical testing. Allele origin: germline.
Comment: Not observed at significant frequency in large population cohorts (gnomAD); In silico analysis supports that this missense variant has a deleterious effect on protein structure/function; Has not been previously published as pathogenic or benign to our knowledge

PreventionGenetics, part of Exact Sciences
Classification: Uncertain significance for SON-related condition. Last evaluated: 2026-09-05. Review status: criteria provided, single submitter. Criteria: ACMG Guidelines, 2015. Collection method: clinical testing. Allele origin: germline.
Comment: The SON c.5213T>G variant is predicted to result in the amino acid substitution p.Leu1738Arg. To our knowledge, this variant has not been reported in the literature or in a large population database (gnomAD), indicating this variant is rare. At this time, the clinical significance of this variant is uncertain due to the absence of conclusive functional and genetic evidence.

Labcorp Genetics (formerly Invitae), Labcorp
Classification: Uncertain significance. Last evaluated: 2025-04-09. Review status: criteria provided, single submitter. Criteria: Invitae Variant Classification Sherloc (09022015). Collection method: clinical testing. Allele origin: germline.
Comment: This sequence change replaces leucine, which is neutral and non-polar, with arginine, which is basic and polar, at codon 1738 of the SON protein (p.Leu1738Arg). This variant is not present in population databases (gnomAD no frequency). This variant has not been reported in the literature in individuals affected with SON-related conditions. ClinVar contains an entry for this variant (Variation ID: 1704756). An algorithm developed to predict the effect of missense changes on protein structure and function (PolyPhen-2) suggests that this variant is likely to be disruptive. In summary, the available evidence is currently insufficient to determine the role of this variant in disease. Therefore, it has been classified as a Variant of Uncertain Significance.